The following is an entry in ClinVar:

NM_016327.3(UPB1):c.803G>A (p.Trp268Ter)

Gene: UPB1 (beta-ureidopropionase 1; plus strand). Cytogenetic location: 22q11.23.
Variant type: single nucleotide variant.
Coding change: c.803G>A on transcript NM_016327.3 (MANE Select); coding-DNA position 803, G replaced by A.
Protein change: p.Trp268Ter; replaces tryptophan 268 with a stop codon.
Molecular consequence: nonsense.
Genome position (GRCh38, 1-based): chr22:24,520,398, G>A. VCF-style: chr22-24520398-G-A. GRCh37 (hg19) VCF-style: chr22-24916366-G-A.
Other names: short protein forms W268*.
Identifiers: ClinVar variation 5019056 (VCV005019056.2).

ClinVar aggregate classification (germline): Likely pathogenic (1 of 4 stars; one submission).

Conditions:
Deficiency of beta-ureidopropionase (UPB1D). Also called: Beta-ureidopropionase deficiency. Identifiers: Orphanet 65287, MedGen C1291512, MONDO:0013164, OMIM 613161.

gnomAD v4.1: 1 of 1,614,176 alleles (0.000062%); highest among the groups gnomAD compares: South Asian, 0.0011%; no homozygotes.

Submission:

Juno Genomics, Hangzhou Juno Genomics, Inc
Classification: Likely pathogenic for Deficiency of beta-ureidopropionase. Review status: criteria provided, single submitter. Criteria: ACMG Guidelines, 2015. Collection method: clinical testing. Allele origin: germline.
Comment: Absent from controls (or at extremely low frequency if recessive) in Genome Aggregation Database.;Null variant in a gene where loss of function (LOF) is a known mechanism of disease.